The following is an entry in ClinVar:

NM_004586.3(RPS6KA3):c.1353+5A>T

Gene: RPS6KA3 (ribosomal protein S6 kinase A3; minus strand). Cytogenetic location: Xp22.12.
Variant type: single nucleotide variant.
Coding change: c.1353+5A>T on transcript NM_004586.3 (MANE Select); 5 bases into the intron after coding-DNA position 1353, A replaced by T.
Molecular consequence: intron variant.
Genome position (GRCh38, 1-based): chrX:20,172,741, T>A on the plus strand (A>T on the coding strand, the complement: RPS6KA3 is on the minus strand). VCF-style: chrX-20172741-T-A. GRCh37 (hg19) VCF-style: chrX-20190859-T-A.
Other names: c.1353+5A>T (NM_004586.2).
Identifiers: ClinVar variation 2046723 (VCV002046723.7), dbSNP rs56321876, ClinGen allele CA10366133.

ClinVar aggregate classification (germline): Benign/Likely benign. Review status: criteria provided, multiple submitters, no conflicts (2 of 4 stars). 3 submissions from 3 submitters: Benign (1); Likely benign (1). 1 of the submissions does not count toward it. Last evaluated 2026-01-19.

Conditions:
RPS6KA3-related disorder. Also called: RPS6KA3-related condition.
Intellectual developmental disorder, X-linked 19. Also called: Intellectual disability, X-linked 19. Identifiers: Orphanet 777, MedGen C0796225, MONDO:0010447, OMIM 300844.
Coffin-Lowry syndrome (CLS). Also called: COFFIN-LOWRY SYNDROME, MILD; Mental retardation with osteocartilaginous abnormalities. Identifiers: Orphanet 192, MedGen C0265252, MONDO:0010561, OMIM 303600.

Allele frequency attached by ClinVar (database versions not stated): gnomAD exomes 0.00026; TOPMed 0.00026; ExAC 0.00048; 1000 Genomes Project 0.00238; gnomAD 0.00025; 1000 Genomes Project 30x 0.00166.
gnomAD v4.1: 296 of 1,178,655 alleles (0.025%); highest among the groups gnomAD compares: East Asian, 0.89%; 3 homozygotes.

Submissions (3):

Labcorp Genetics (formerly Invitae), Labcorp
Classification: Benign for Coffin-Lowry syndrome; Intellectual developmental disorder, X-linked 19. Last evaluated: 2026-01-19. Review status: criteria provided, single submitter. Criteria: Invitae Variant Classification Sherloc (09022015). Collection method: clinical testing. Allele origin: germline.

Blueprint Genetics
Classification: Likely benign. Last evaluated: 2022-10-31. Review status: criteria provided, single submitter. Criteria: ACMG Guidelines, 2015. Collection method: clinical testing. Allele origin: germline.

PreventionGenetics, part of Exact Sciences
Classification: Likely benign for RPS6KA3-related condition. Last evaluated: 2021-12-30. Review status: no assertion criteria provided. Collection method: clinical testing. Allele origin: germline. Not counted in ClinVar's aggregate classification.
Comment: This variant is classified as likely benign based on ACMG/AMP sequence variant interpretation guidelines (Richards et al. 2015 PMID: 25741868, with internal and published modifications).